The following is an entry in ClinVar:

ClinVar aggregate classification (germline): Pathogenic (1 of 4 stars; one submission).

Conditions:
Hyperammonemic encephalopathy due to carbonic anhydrase VA deficiency. Also called: Carbonic Anhydrase VA Deficiency; Carbonic anhydrase VA deficiency, hyperammonemia due to. Identifiers: Orphanet 401948, MedGen C4706871, MONDO:0014332, OMIM 615751.

Allele frequency attached by ClinVar (database versions not stated): gnomAD exomes below 0.00001; gnomAD 0.00001; TOPMed 0.00002.
gnomAD v4.1: 2 of 1,572,842 alleles (0.00013%); highest among the groups gnomAD compares: African/African-American, 0.0027%; no homozygotes.

Submission:

Labcorp Genetics (formerly Invitae), Labcorp
Classification: Pathogenic for Hyperammonemic encephalopathy due to carbonic anhydrase VA deficiency. Last evaluated: 2026-01-27. Review status: criteria provided, single submitter. Criteria: Invitae Variant Classification Sherloc (09022015). Collection method: clinical testing. Allele origin: germline.
Comment: This sequence change creates a premature translational stop signal (p.Trp228*) in the CA5A gene. It is expected to result in an absent or disrupted protein product. Loss-of-function variants in CA5A are known to be pathogenic (PMID: 24530203, 26913920). This variant is not present in population databases (gnomAD no frequency). This variant has not been reported in the literature in individuals affected with CA5A-related conditions. ClinVar contains an entry for this variant (Variation ID: 1956686). For these reasons, this variant has been classified as Pathogenic.

Literature cited by the submitters: PubMed 24530203; PubMed 26913920.

NM_001739.2(CA5A):c.683G>A (p.Trp228Ter)

Gene: CA5A (carbonic anhydrase 5A; minus strand). Cytogenetic location: 16q24.2.
Variant type: single nucleotide variant.
Coding change: c.683G>A on transcript NM_001739.2 (MANE Select); coding-DNA position 683, G replaced by A.
Protein change: p.Trp228Ter; replaces tryptophan 228 with a stop codon.
Molecular consequence: nonsense. On other transcripts: non-coding transcript variant (2).
Genome position (GRCh38, 1-based): chr16:87,891,890, C>T on the plus strand (G>A on the coding strand, the complement: CA5A is on the minus strand). VCF-style: chr16-87891890-C-T. GRCh37 (hg19) VCF-style: chr16-87925496-C-T.
Other names: c.683G>A, p.Trp228Ter (NM_001367225.1); short protein forms W228*.
Identifiers: ClinVar variation 1956686 (VCV001956686.5), dbSNP rs1391715924, ClinGen allele CA397039920.
Genomic context (GRCh38, chr16:87,891,890, plus strand): 5'-TGGATGATCCAGGTGACCGACTCGGTCAGCGGCGGGGTGGTGAGCGAGCCCGCGTAGGTC[C>T]AGTAATCCCAGCAGGTGGGCAGCAGAGTGGAGGGGTCGAAGGGGCGCATGGCCGCCCGCG-3'